The following is an entry in ClinVar:

NM_014208.3(DSPP):c.2483del (p.Asn828fs)

Genes: DMP1-AS1 (DMP1 and DSPP antisense RNA 1; minus strand), DSPP (dentin sialophosphoprotein; plus strand). Cytogenetic location: 4q22.1.
Variant type: Deletion.
Coding change: c.2483del on transcript NM_014208.3 (MANE Select); coding-DNA position 2483, one base deleted (A; older notation c.2483delA).
Protein change: p.Asn828fs; shifts the reading frame from asparagine 828.
Molecular consequence: frameshift variant.
Genome position (GRCh38, 1-based): chr4:87,615,145, A deleted; the last of 2 consecutive A bases (chr4:87,615,144-87,615,145); deleting either gives the same sequence. VCF-style (leftmost placement, unchanged base first): chr4-87615143-TA-T. GRCh37 (hg19) VCF-style: chr4-88536295-TA-T.
Other names: short protein forms N828fs.
Identifiers: ClinVar variation 4082232 (VCV004082232.1).

ClinVar aggregate classification (germline): Pathogenic (1 of 4 stars; one submission).

Conditions:
Dentinogenesis imperfecta type 2 (DGI1). Also called: CAPDEPONT TEETH; OPALESCENT DENTIN; OPALESCENT TEETH WITHOUT OSTEOGENESIS IMPERFECTA; Dentinogenesis imperfecta without osteogenesis imperfecta; Hereditary Opalescent Dentin; Dentinogenesis imperfecta - Shield's type II. Identifiers: Orphanet 166260, MedGen C2973527, MONDO:0007441, OMIM 125490. Disease mechanism: loss of function.

Submission:

Reference Center For Rare Oral And Dental Diseases, CRMR O-Rares, Hôpitaux Universitaires De Strasbourg
Classification: Pathogenic for Dentinogenesis imperfecta type 2. Last evaluated: 2025-09-03. Review status: criteria provided, single submitter. Criteria: ACMG Guidelines, 2015. Collection method: clinical testing. Allele origin: unknown. Inheritance: Autosomal dominant inheritance. Affected: yes.
Comment: PVS1, PP4, PM2 (5)